The following is an entry in ClinVar:

ClinVar aggregate classification (germline): Uncertain significance (1 of 4 stars; one submission).

Submission:

New York Genome Center
Classification: Uncertain significance. Last evaluated: 2020-11-04. Review status: criteria provided, single submitter. Criteria: NYGC Assertion Criteria 2020. Collection method: clinical testing. Allele origin: inherited. Observed: 1 heterozygote. Study: CSER-NYCKidSeq.
Comment: The inherited heterozygous c.5172A>C (p.Glu1724Asp) variant identified in the NBEA gene has not been reported in affected individuals in the available literature. The variant is absent from gnomAD(v3) database indicating it is an extremely rare allele in the populations represented in that database. The variant affects an evolutionarily conserved residue and in silico tools provide conflicting interpretations about potential pathogenicity of this variant. Given the lack of compelling evidence for its pathogenicity, the inherited heterozygous c.5172A>C (p.Glu1724Asp) variant identified in the NBEA gene is reported as a variant of uncertain significance.

NM_001385012.1(NBEA):c.5172A>C (p.Glu1724Asp)

Gene: NBEA (neurobeachin; plus strand). Cytogenetic location: 13q13.3.
Variant type: single nucleotide variant.
Coding change: c.5172A>C on transcript NM_001385012.1 (MANE Select); coding-DNA position 5172, A replaced by C.
Protein change: p.Glu1724Asp; replaces glutamic acid 1724 with aspartic acid.
Molecular consequence: missense variant.
Genome position (GRCh38, 1-based): chr13:35,196,108, A>C. VCF-style: chr13-35196108-A-C. GRCh37 (hg19) VCF-style: chr13-35770245-A-C.
Other names: c.5172A>C, p.Glu1724Asp (NM_015678.5); c.5163A>C, p.Glu1721Asp (NM_001379245.1); short protein forms E1721D, E1724D.
Identifiers: ClinVar variation 1213738 (VCV001213738.1), dbSNP rs2152741962, ClinGen allele CA387834431.